The following is an entry in ClinVar:

NM_003803.4(MYOM1):c.4320A>T (p.Arg1440Ser)

Gene: MYOM1 (myomesin 1; minus strand). Cytogenetic location: 18p11.31.
Variant type: single nucleotide variant.
Coding change: c.4320A>T on transcript NM_003803.4 (MANE Select); coding-DNA position 4320, A replaced by T.
Protein change: p.Arg1440Ser; replaces arginine 1440 with serine.
Molecular consequence: missense variant.
Genome position (GRCh38, 1-based): chr18:3,085,064, T>A on the plus strand (A>T on the coding strand, the complement: MYOM1 is on the minus strand). VCF-style: chr18-3085064-T-A. GRCh37 (hg19) VCF-style: chr18-3085062-T-A.
Other names: c.4032A>T, p.Arg1344Ser (NM_019856.2); short protein forms R1440S, R1344S.
Identifiers: ClinVar variation 3665271 (VCV003665271.2).

ClinVar aggregate classification (germline): Uncertain significance (1 of 4 stars; one submission).

Conditions:
Hypertrophic cardiomyopathy. Also called: HYPERTROPHIC MYOCARDIOPATHY. Identifiers: Orphanet 217569, MedGen C0007194, MeSH D002312, MONDO:0005045, HP:0001639.

gnomAD v4.1: 1 of 1,607,166 alleles (0.000062%); highest among the groups gnomAD compares: Non-Finnish European, 0.000085%; no homozygotes.

Submission:

Labcorp Genetics (formerly Invitae), Labcorp
Classification: Uncertain significance for Hypertrophic cardiomyopathy. Last evaluated: 2024-11-13. Review status: criteria provided, single submitter. Criteria: Invitae Variant Classification Sherloc (09022015). Collection method: clinical testing. Allele origin: germline.
Comment: This sequence change replaces arginine, which is basic and polar, with serine, which is neutral and polar, at codon 1440 of the MYOM1 protein (p.Arg1440Ser). This variant is not present in population databases (gnomAD no frequency). This variant has not been reported in the literature in individuals affected with MYOM1-related conditions. Invitae Evidence Modeling of protein sequence and biophysical properties (such as structural, functional, and spatial information, amino acid conservation, physicochemical variation, residue mobility, and thermodynamic stability) indicates that this missense variant is not expected to disrupt MYOM1 protein function with a negative predictive value of 80%. In summary, the available evidence is currently insufficient to determine the role of this variant in disease. Therefore, it has been classified as a Variant of Uncertain Significance.